The following is an entry in ClinVar:

ClinVar aggregate classification (germline): Benign/Likely benign. Review status: criteria provided, multiple submitters, no conflicts (2 of 4 stars). 7 submissions from 7 submitters: Benign (5); Likely benign (1). 1 of the submissions does not count toward it. Last evaluated 2026-06-24.

Conditions:
RB1-related disorder. Also called: RB1-related condition.
Hereditary cancer-predisposing syndrome. Also called: Hereditary Cancer Syndrome; Neoplastic Syndromes, Hereditary; Hereditary neoplastic syndrome; Tumor predisposition. Identifiers: Orphanet 140162, MedGen C0027672, MeSH D009386, MONDO:0015356.
Retinoblastoma (RB1). Also called: RETINOBLASTOMA, SOMATIC. Identifiers: Orphanet 790, MedGen C0035335, MeSH D012175, MONDO:0008380, OMIM 180200, HP:0009919. Disease mechanism: loss of function. Inheritance: Both sporadic and heritable forms are tested..

Allele frequency attached by ClinVar (database versions not stated): ExAC 0.00016; 1000 Genomes Project 30x 0.00031; 1000 Genomes Project 0.00040.
gnomAD v4.1: 98 of 1,386,676 alleles (0.0071%); highest among the groups gnomAD compares: Admixed American, 0.097%; 1 homozygote.

Submissions (7):

Myriad Genetics, Inc.
Classification: Benign for Retinoblastoma. Last evaluated: 2026-06-24. Review status: criteria provided, single submitter. Criteria: Myriad Autosomal Dominant, Autosomal Recessive and X-Linked Classification Criteria (2023). Collection method: clinical testing. Allele origin: unknown.
Comment: This variant is considered benign. This variant is a silent/synonymous amino acid change and it is not expected to impact splicing.

Labcorp Genetics (formerly Invitae), Labcorp
Classification: Benign for Retinoblastoma. Last evaluated: 2026-01-31. Review status: criteria provided, single submitter. Criteria: Invitae Variant Classification Sherloc (09022015). Collection method: clinical testing. Allele origin: germline.

All of Us Research Program, National Institutes of Health
Classification: Benign for Retinoblastoma. Last evaluated: 2024-02-05. Review status: criteria provided, single submitter. Criteria: ACMG Guidelines, 2015. Collection method: clinical testing. Allele origin: germline. Inheritance: Autosomal dominant inheritance. Observed: 27 variant alleles, 27 heterozygotes.
Comment: This study involves interpretation of variants in research participants for the purpose of population health screening. Participant phenotype was not available at the time of variant classification. Additional details can be found in publication PMID: 35346344, PMCID: PMC8962531

Color Diagnostics, LLC DBA Color Health
Classification: Benign for Retinoblastoma. Last evaluated: 2022-04-28. Review status: criteria provided, single submitter. Criteria: ACMG Guidelines, 2015. Collection method: clinical testing. Allele origin: germline.

Sema4
Classification: Benign for Hereditary cancer-predisposing syndrome. Last evaluated: 2021-04-22. Review status: criteria provided, single submitter. Criteria: Sema4 Curation Guidelines. Collection method: curation. Allele origin: germline.

Ambry Genetics
Classification: Likely benign for Hereditary cancer-predisposing syndrome. Last evaluated: 2017-07-18. Review status: criteria provided, single submitter. Criteria: Ambry Variant Classification Scheme 2023. Collection method: clinical testing. Allele origin: germline.

PreventionGenetics, part of Exact Sciences
Classification: Likely benign for RB1-related condition. Last evaluated: 2019-05-14. Review status: no assertion criteria provided. Collection method: clinical testing. Allele origin: germline. Not counted in ClinVar's aggregate classification.
Comment: This variant is classified as likely benign based on ACMG/AMP sequence variant interpretation guidelines (Richards et al. 2015 PMID: 25741868, with internal and published modifications).

NM_000321.3(RB1):c.1410T>C (p.Ile470=)

Gene: RB1 (RB transcriptional corepressor 1; plus strand). Cytogenetic location: 13q14.2.
Variant type: single nucleotide variant.
Coding change: c.1410T>C on transcript NM_000321.3 (MANE Select); coding-DNA position 1410, T replaced by C.
Protein change: p.Ile470=; no amino-acid change (isoleucine 470 retained).
Molecular consequence: synonymous variant.
Genome position (GRCh38, 1-based): chr13:48,380,073, T>C. VCF-style: chr13-48380073-T-C. GRCh37 (hg19) VCF-style: chr13-48954209-T-C.
Identifiers: ClinVar variation 416495 (VCV000416495.22), dbSNP rs578226820, ClinGen allele CA028643.